The following is an entry in ClinVar:

NM_032383.5(HPS3):c.964del (p.Gln322fs)

Gene: HPS3 (HPS3 biogenesis of lysosomal organelles complex 2 subunit 1; plus strand). Cytogenetic location: 3q24.
Variant type: Deletion.
Coding change: c.964del on transcript NM_032383.5 (MANE Select); coding-DNA position 964, one base deleted (C; older notation c.964delC).
Protein change: p.Gln322fs; shifts the reading frame from glutamine 322.
Molecular consequence: frameshift variant.
Genome position (GRCh38, 1-based): chr3:149,141,374, C deleted; the last of 2 consecutive C bases (chr3:149,141,373-149,141,374); deleting either gives the same sequence. VCF-style (leftmost placement, unchanged base first): chr3-149141372-AC-A. GRCh37 (hg19) VCF-style: chr3-148859159-AC-A.
Other names: c.469del, p.Gln157fs (NM_001308258.2); short protein forms Q157fs, Q322fs.
Identifiers: ClinVar variation 1724583 (VCV001724583.2), dbSNP rs2473073776, ClinGen allele CA2580068923.

ClinVar aggregate classification (germline): Likely pathogenic (1 of 4 stars; one submission).

Conditions:
Hermansky-Pudlak syndrome 3 (HPS3). Identifiers: Orphanet 231512, Orphanet 79430, MedGen C3888001, MONDO:0013555, OMIM 614072.

Submission:

Myriad Genetics, Inc.
Classification: Likely pathogenic for Hermansky-Pudlak syndrome 3. Last evaluated: 2022-02-20. Review status: criteria provided, single submitter. Criteria: Myriad Women's Health Autosomal Recessive and X-Linked Classification Criteria (2021). Collection method: clinical testing. Allele origin: unknown.
Comment: NM_032383.3(HPS3):c.964delC(Q322Rfs*19) is expected to be pathogenic in the context of Hermansky-Pudlak syndrome type 3. This variant is predicted to lead to an abnormal or absent protein product due to the creation of a premature termination codon in HPS3, a gene where loss-of-function variants are known to be pathogenic. Please note: this variant was assessed in the context of healthy population screening.